The following is an entry in ClinVar:

NM_004385.5(VCAN):c.7035G>A (p.Thr2345=)

Genes: VCAN (versican; plus strand), VCAN-AS1 (VCAN antisense RNA 1; minus strand). Cytogenetic location: 5q14.3.
Variant type: single nucleotide variant.
Coding change: c.7035G>A on transcript NM_004385.5 (MANE Select); coding-DNA position 7035, G replaced by A.
Protein change: p.Thr2345=; no amino-acid change (threonine 2345 retained).
Molecular consequence: synonymous variant. On other transcripts: intron variant (2).
Genome position (GRCh38, 1-based): chr5:83,540,038, G>A. VCF-style: chr5-83540038-G-A. GRCh37 (hg19) VCF-style: chr5-82835857-G-A.
Other names: c.4074G>A, p.Thr1358= (NM_001164097.2); c.4004-5499G>A (NM_001164098.2); c.1043-5499G>A (NM_001126336.3).
Identifiers: ClinVar variation 354438 (VCV000354438.15), dbSNP rs200757689, ClinGen allele CA3333564.
Genomic context (GRCh38, chr5:83,540,038, plus strand): 5'-GTCAGTAACCAGCACAACATTAATAGAAATTTTAAGTGACACTGGAGCAGAAGGACCCAC[G>A]GTGGCACCTCTCCCTTTCTCCACGGACATCGGACATCCTCAAAATCAGACTGTCAGGTGG-3'
Protein context (NP_004376.2, residues 2335-2355): ILSDTGAEGP[Thr2345=]VAPLPFSTDI

ClinVar aggregate classification (germline): Benign/Likely benign. Review status: criteria provided, multiple submitters, no conflicts (2 of 4 stars). 3 submissions from 3 submitters: Benign (1); Likely benign (2). Last evaluated 2025-11-13.

Conditions:
Vitreoretinopathy. Also called: Vitreoretinal degeneration. Identifiers: MedGen C0344290, MONDO:0020248, HP:0007773.

Allele frequency attached by ClinVar (database versions not stated): ExAC 0.00009; gnomAD 0.00009 and 0.00010; gnomAD exomes 0.00009 and 0.00013; TOPMed 0.00011.
gnomAD v4.1: 211 of 1,613,890 alleles (0.013%); highest among the groups gnomAD compares: Non-Finnish European, 0.015%; no homozygotes.

Submissions (3):

Labcorp Genetics (formerly Invitae), Labcorp
Classification: Likely benign. Last evaluated: 2025-11-13. Review status: criteria provided, single submitter. Criteria: Invitae Variant Classification Sherloc (09022015). Collection method: clinical testing. Allele origin: germline.

Blueprint Genetics
Classification: Likely benign. Last evaluated: 2024-09-06. Review status: criteria provided, single submitter. Criteria: ACMG Guidelines, 2015. Collection method: clinical testing. Allele origin: germline.

Illumina Laboratory Services, Illumina
Classification: Benign for Vitreoretinopathy. Last evaluated: 2018-01-13. Review status: criteria provided, single submitter. Criteria: ICSL Variant Classification Criteria 13 December 2019. Collection method: clinical testing. Allele origin: germline.
Comment: This variant was observed in the ICSL laboratory as part of a predisposition screen in an ostensibly healthy population. It had not been previously curated by ICSL or reported in the Human Gene Mutation Database (HGMD: prior to June 1st, 2018), and was therefore a candidate for classification through an automated scoring system. Utilizing variant allele frequency, disease prevalence and penetrance estimates, and inheritance mode, an automated score was calculated to assess if this variant is too frequent to cause the disease. Based on the score and internal cut-off values, a variant classified as benign is not then subjected to further curation. The score for this variant resulted in a classification of benign for this disease.